The following is an entry in ClinVar:

ClinVar aggregate classification (germline): Uncertain significance (1 of 4 stars; one submission).

Allele frequency attached by ClinVar (database versions not stated): gnomAD exomes below 0.00001.
gnomAD v4.1: 1 of 1,613,558 alleles (0.000062%); highest among the groups gnomAD compares: Non-Finnish European, 0.000085%; no homozygotes.

Submission:

Labcorp Genetics (formerly Invitae), Labcorp
Classification: Uncertain significance. Last evaluated: 2022-07-12. Review status: criteria provided, single submitter. Criteria: Invitae Variant Classification Sherloc (09022015). Collection method: clinical testing. Allele origin: germline.
Comment: This variant has not been reported in the literature in individuals affected with CPLANE1-related conditions. This variant is not present in population databases (gnomAD no frequency). This sequence change replaces tyrosine, which is neutral and polar, with cysteine, which is neutral and slightly polar, at codon 2396 of the CPLANE1 protein (p.Tyr2396Cys). Advanced modeling of protein sequence and biophysical properties (such as structural, functional, and spatial information, amino acid conservation, physicochemical variation, residue mobility, and thermodynamic stability) performed at Invitae indicates that this missense variant is not expected to disrupt CPLANE1 protein function. In summary, the available evidence is currently insufficient to determine the role of this variant in disease. Therefore, it has been classified as a Variant of Uncertain Significance.

NM_001384732.1(CPLANE1):c.7187A>G (p.Tyr2396Cys)

Gene: CPLANE1 (ciliogenesis and planar polarity effector complex subunit 1; minus strand). Cytogenetic location: 5p13.2.
Variant type: single nucleotide variant.
Coding change: c.7187A>G on transcript NM_001384732.1 (MANE Select); coding-DNA position 7187, A replaced by G.
Protein change: p.Tyr2396Cys; replaces tyrosine 2396 with cysteine.
Molecular consequence: missense variant.
Genome position (GRCh38, 1-based): chr5:37,168,837, T>C on the plus strand (A>G on the coding strand, the complement: CPLANE1 is on the minus strand). VCF-style: chr5-37168837-T-C. GRCh37 (hg19) VCF-style: chr5-37168939-T-C.
Other names: c.7187A>G, p.Tyr2396Cys (NM_023073.4); short protein forms Y2396C.
Identifiers: ClinVar variation 2086261 (VCV002086261.4), dbSNP rs2547561499, ClinGen allele CA359477895.